The following is an entry in ClinVar:

ClinVar aggregate classification (germline): Uncertain significance (1 of 4 stars; one submission).

Conditions:
Atypical hemolytic-uremic syndrome. Identifiers: Orphanet 2134, MedGen C2931788, MONDO:0016244.

Submission:

Genomenon, Inc
Classification: Uncertain significance for Atypical hemolytic-uremic syndrome. Last evaluated: 2025-09-26. Review status: criteria provided, single submitter. Criteria: Genomenon Sequence Variant Interpretation Standards - Updated. Collection method: curation. Allele origin: germline. Affected: yes.
Comment: CFI p.Cys48_Gln49delinsArgLeu c.[142T>C;146A>T] variant causes the deletion of two amino acids (Cysteine at position 48 and Glutamine at position 49) and their replacement with Arginine and Leucine. This variant has been observed in at least one proband affected with atypical hemolytic-uremic syndrome (PMID:35619721). It is absent or not present at a significant frequency in gnomAD. In conclusion, we classify CFI p.Cys48_Gln49delinsArgLeu c.[142T>C;146A>T] as a variant of unknown significance.

Literature cited by the submitters: PubMed 35619721.

NM_000204.5(CFI):c.[142T>C;146A>T]

Variant type: Haplotype.
Identifiers: ClinVar variation 4280441 (VCV004280441.1).